The following is an entry in ClinVar:

ClinVar aggregate classification (germline): Likely benign. Review status: criteria provided, multiple submitters, no conflicts (2 of 4 stars). 2 submissions from 2 submitters: Likely benign (2). Last evaluated 2025-02-25.

Conditions:
Hereditary spastic paraplegia 7 (SPG7). Also called: Autosomal recessive spastic paraplegia type 7; SPASTIC PARAPLEGIA 7, AUTOSOMAL RECESSIVE, WITH OR WITHOUT CEREBELLAR ATAXIA; Spastic paraplegia 7; Hereditary spastic paraplegia Paraplegin type; SPG7-related neurologic disorder. Identifiers: Orphanet 99013, MedGen C1846564, MONDO:0011803, OMIM 607259.

Allele frequency attached by ClinVar (database versions not stated): gnomAD exomes below 0.00001; ExAC 0.00001; gnomAD 0.00001; TOPMed 0.00002.
gnomAD v4.1: 5 of 1,593,604 alleles (0.00031%); highest among the groups gnomAD compares: Non-Finnish European, 0.00043%; no homozygotes.

Submissions (2):

Mayo Clinic Laboratories, Mayo Clinic
Classification: Likely benign. Last evaluated: 2025-02-25. Review status: criteria provided, single submitter. Criteria: ACMG Guidelines, 2015. Collection method: clinical testing. Allele origin: germline. Observed: 1 variant allele.
Comment: BP4, BP7

Labcorp Genetics (formerly Invitae), Labcorp
Classification: Likely benign for Hereditary spastic paraplegia 7. Last evaluated: 2023-01-03. Review status: criteria provided, single submitter. Criteria: Invitae Variant Classification Sherloc (09022015). Collection method: clinical testing. Allele origin: germline.

NM_003119.4(SPG7):c.1779+10G>A

Gene: SPG7 (SPG7 matrix AAA peptidase subunit, paraplegin; plus strand). Cytogenetic location: 16q24.3.
Variant type: single nucleotide variant.
Coding change: c.1779+10G>A on transcript NM_003119.4 (MANE Select); 10 bases into the intron after coding-DNA position 1779, G replaced by A.
Molecular consequence: intron variant.
Genome position (GRCh38, 1-based): chr16:89,550,619, G>A. VCF-style: chr16-89550619-G-A. GRCh37 (hg19) VCF-style: chr16-89617027-G-A.
Other names: p.?; c.1779+10G>A (NM_001363850.1).
Identifiers: ClinVar variation 2728431 (VCV002728431.4), dbSNP rs748220147, ClinGen allele CA8244387.